The following is an entry in ClinVar:

ClinVar aggregate classification (germline): Benign/Likely benign. Review status: criteria provided, multiple submitters, no conflicts (2 of 4 stars). 12 submissions from 12 submitters: Benign (6); Likely benign (4). 2 of the submissions do not count toward it. Last evaluated 2026-02-02.

Conditions:
Congenital myasthenic syndrome 4A. Also called: MYASTHENIC SYNDROME, CONGENITAL, 4A, SLOW-CHANNEL, AUTOSOMAL RECESSIVE; Myasthenic syndrome, congenital, 4a, slow-channel; CONGENITAL MYASTHENIC SYNDROME TYPE Ia1. Identifiers: Orphanet 590, MedGen C4225413, MONDO:0011600, OMIM 605809.
Congenital myasthenic syndrome 4C (CMS4C). Also called: Myasthenic syndrome, congenital, associated with acetylcholine receptor deficiency. Identifiers: Orphanet 590, MedGen C1837091, MONDO:0012157, OMIM 608931.
Congenital myasthenic syndrome 4B. Also called: Myasthenic syndrome, congenital, 4b, fast-channel. Identifiers: Orphanet 590, MedGen C4225369, MONDO:0014586, OMIM 616324.
Congenital myasthenic syndrome (CMS). Also called: Congenital Myasthenic Syndromes. Identifiers: Orphanet 590, MedGen C0751882, MeSH D020294, MONDO:0018940.

Allele frequency attached by ClinVar (database versions not stated): ESP Exome Variant Server 0.00493; TOPMed 0.00541; 1000 Genomes Project 0.00659; 1000 Genomes Project 30x 0.00703.
gnomAD v4.1: 12,742 of 1,603,472 alleles (0.79%); highest among the groups gnomAD compares: South Asian, 2%; 100 homozygotes.

Submissions (12):

Labcorp Genetics (formerly Invitae), Labcorp
Classification: Benign for Congenital myasthenic syndrome 4A. Last evaluated: 2026-02-02. Review status: criteria provided, single submitter. Criteria: Invitae Variant Classification Sherloc (09022015). Collection method: clinical testing. Allele origin: germline.

Mayo Clinic Laboratories, Mayo Clinic
Classification: Benign. Last evaluated: 2023-06-07. Review status: criteria provided, single submitter. Criteria: ACMG Guidelines, 2015. Collection method: clinical testing. Allele origin: germline. Observed: 6 variant alleles.
Comment: BS1, BS2, BP4

Fulgent Genetics
Classification: Likely benign for Congenital myasthenic syndrome 4A; Congenital myasthenic syndrome 4C; Congenital myasthenic syndrome 4B. Last evaluated: 2021-08-11. Review status: criteria provided, single submitter. Criteria: ACMG Guidelines, 2015. Collection method: clinical testing. Allele origin: unknown.

Genome-Nilou Lab
Classification: Benign for Congenital myasthenic syndrome 4A. Last evaluated: 2021-06-10. Review status: criteria provided, single submitter. Criteria: ACMG Guidelines, 2015. Collection method: clinical testing. Allele origin: germline. Affected: no.

GeneDx
Classification: Likely benign. Last evaluated: 2020-02-24. Review status: criteria provided, single submitter. Criteria: GeneDx Variant Classification Process June 2021. Collection method: clinical testing. Allele origin: germline. Affected: yes.

Athena Diagnostics
Classification: Benign. Last evaluated: 2018-12-27. Review status: criteria provided, single submitter. Criteria: Athena Diagnostics Criteria. Collection method: clinical testing. Allele origin: germline.

Illumina Laboratory Services, Illumina
Classification: Benign for Congenital myasthenic syndrome. Last evaluated: 2018-01-12. Review status: criteria provided, single submitter. Criteria: ICSL Variant Classification Criteria 13 December 2019. Collection method: clinical testing. Allele origin: germline.
Comment: This variant was observed in the ICSL laboratory as part of a predisposition screen in an ostensibly healthy population. It had not been previously curated by ICSL or reported in the Human Gene Mutation Database (HGMD: prior to June 1st, 2018), and was therefore a candidate for classification through an automated scoring system. Utilizing variant allele frequency, disease prevalence and penetrance estimates, and inheritance mode, an automated score was calculated to assess if this variant is too frequent to cause the disease. Based on the score and internal cut-off values, a variant classified as benign is not then subjected to further curation. The score for this variant resulted in a classification of benign for this disease.

Eurofins Ntd Llc (ga)
Classification: Benign. Last evaluated: 2014-12-10. Review status: criteria provided, single submitter. Criteria: EGL Classification Definitions 2015. Collection method: clinical testing. Allele origin: germline. Observed: 2 variant alleles, 2 heterozygotes.

Breakthrough Genomics
Classification: Likely benign. Review status: criteria provided, single submitter. Criteria: ACMG Guidelines, 2015. Collection method: not provided. Allele origin: germline. Inheritance: Autosomal recessive inheritance. Affected: yes.

PreventionGenetics, part of Exact Sciences
Classification: Likely benign. Review status: criteria provided, single submitter. Criteria: ACMG Guidelines, 2015. Collection method: clinical testing. Allele origin: germline.

Natera, Inc.
Classification: Likely benign for Congenital myasthenic syndrome. Last evaluated: 2019-10-21. Review status: no assertion criteria provided. Collection method: clinical testing. Allele origin: germline. Not counted in ClinVar's aggregate classification.

Genetic Services Laboratory, University of Chicago
Classification: Likely benign for AllHighlyPenetrant. Review status: no assertion criteria provided. Collection method: clinical testing. Allele origin: germline. Not counted in ClinVar's aggregate classification.
Comment: Likely benign based on allele frequency in 1000 Genomes Project or ESP global frequency and its presence in a patient with a rare or unrelated disease phenotype. NOT Sanger confirmed.

Literature cited by the submitters: PubMed 22865819 (cited by Athena Diagnostics).

NM_000080.4(CHRNE):c.1402G>C (p.Val468Leu)

Gene: CHRNE (cholinergic receptor nicotinic epsilon subunit; minus strand). Cytogenetic location: 17p13.2.
Variant type: single nucleotide variant.
Coding change: c.1402G>C on transcript NM_000080.4 (MANE Select); coding-DNA position 1402, G replaced by C.
Protein change: p.Val468Leu; replaces valine 468 with leucine.
Molecular consequence: missense variant.
Genome position (GRCh38, 1-based): chr17:4,898,816, C>G on the plus strand (G>C on the coding strand, the complement: CHRNE is on the minus strand). VCF-style: chr17-4898816-C-G. GRCh37 (hg19) VCF-style: chr17-4802111-C-G.
Other names: c.1402G>C, p.Val468Leu (LRG_1254t1); short protein forms V468L.
Identifiers: ClinVar variation 128764 (VCV000128764.34), dbSNP rs139171143, ClinGen allele CA152411.